The following is an entry in ClinVar:

NM_006371.5(CRTAP):c.172G>T (p.Glu58Ter)

Gene: CRTAP (cartilage associated protein; plus strand). Cytogenetic location: 3p22.3.
Variant type: single nucleotide variant.
Coding change: c.172G>T on transcript NM_006371.5 (MANE Select); coding-DNA position 172, G replaced by T.
Protein change: p.Glu58Ter; replaces glutamic acid 58 with a stop codon.
Molecular consequence: nonsense.
Genome position (GRCh38, 1-based): chr3:33,114,249, G>T. VCF-style: chr3-33114249-G-T. GRCh37 (hg19) VCF-style: chr3-33155741-G-T.
Other names: c.172G>T, p.Glu58Ter (NM_001393363.1, NM_001393364.1, NM_001393365.1); short protein forms E58*.
Identifiers: ClinVar variation 1451956 (VCV001451956.6), dbSNP rs769484595, ClinGen allele CA2300221.
Genomic context (GRCh38, chr3:33,114,249, plus strand): 5'-CGGGACGAGCTGATGCCGCTCGAGTCGGCCTACCGGCACGCGCTGGACAAGTACAGCGGC[G>T]AGCACTGGGCCGAGAGCGTGGGCTACCTGGAGATCAGCCTGCGGCTGCACCGCTTGCTGC-3'

ClinVar aggregate classification (germline): Pathogenic (1 of 4 stars; one submission).

Conditions:
Osteogenesis imperfecta type 7 (OI7). Also called: OI type 7; OI type VII; OSTEOGENESIS IMPERFECTA, TYPE IIB; Osteogenesis imperfecta type 2B; OI type 2B; Osteogenesis imperfecta, perinatal lethal autosomal recessive. Identifiers: MedGen C1853162, MONDO:0012536, OMIM 610682.

Allele frequency attached by ClinVar (database versions not stated): ExAC 0.00005.

Submission:

Labcorp Genetics (formerly Invitae), Labcorp
Classification: Pathogenic for Osteogenesis imperfecta type 7. Last evaluated: 2021-05-12. Review status: criteria provided, single submitter. Criteria: Invitae Variant Classification Sherloc (09022015). Collection method: clinical testing. Allele origin: germline.
Comment: For these reasons, this variant has been classified as Pathogenic. This variant has not been reported in the literature in individuals with CRTAP-related conditions. This variant is present in population databases (rs769484595, ExAC 0.04%). This sequence change creates a premature translational stop signal (p.Glu58*) in the CRTAP gene. It is expected to result in an absent or disrupted protein product. Loss-of-function variants in CRTAP are known to be pathogenic (PMID: 17055431, 19862557, 24715559).

Literature cited by the submitters: PubMed 17055431; PubMed 19862557; PubMed 24715559.